The following is an entry in ClinVar:

ClinVar aggregate classification (germline): Benign (3 of 4 stars; one submission).

Conditions:
Breast-ovarian cancer, familial, susceptibility to, 1 (BROVCA1). Also called: BRCA1 Hereditary Breast and Ovarian Cancer; OVARIAN CANCER, SUSCEPTIBILITY TO. Identifiers: Orphanet 145, MedGen C2676676, MONDO:0011450, OMIM 604370. Disease mechanism: loss of function.

Allele frequency attached by ClinVar (database versions not stated): TOPMed 0.29170; gnomAD 0.30320 and 0.31046; 1000 Genomes Project 30x 0.33542; 1000 Genomes Project 0.34285.
gnomAD v4.1: 47,177 of 151,898 alleles (31%); highest among the groups gnomAD compares: South Asian, 49%; 7,704 homozygotes.

Submission:

Evidence-based Network for the Interpretation of Germline Mutant Alleles (ENIGMA)
Classification: Benign for Breast-ovarian cancer, familial 1. Last evaluated: 2015-01-12. Review status: reviewed by expert panel. Criteria: ENIGMA BRCA1/2 Classification Criteria (2015). Collection method: curation. Allele origin: germline.
Comment: Class 1 not pathogenic based on frequency >1% in an outbred sampleset. Frequency 0.3304 (Asian), 0.2134 (African), 0.3602 (European), derived from 1000 genomes (2012-04-30).

NM_007294.4(BRCA1):c.5278-1243T>C

Gene: BRCA1 (BRCA1 DNA repair associated; minus strand). Cytogenetic location: 17q21.31.
Variant type: single nucleotide variant.
Coding change: c.5278-1243T>C on transcript NM_007294.4 (MANE Select); 1243 bases into the intron before coding-DNA position 5278, T replaced by C.
Molecular consequence: intron variant.
Genome position (GRCh38, 1-based): chr17:43,052,360, A>G on the plus strand (T>C on the coding strand, the complement: BRCA1 is on the minus strand). VCF-style: chr17-43052360-A-G. GRCh37 (hg19) VCF-style: chr17-41204377-A-G.
Other names: IVS 20-1243T>C; c.1966-1243T>C (NM_001407985.1, NM_001408472.1, NM_001407990.1 and 12 more transcripts); c.5269-1243T>C (NM_001407644.1, NM_001407645.1); c.5272-1243T>C (NM_001407627.1, NM_001407861.1, NM_001407635.1 and 14 more transcripts); c.5275-1243T>C (NM_001407614.1, NM_001407626.1, NM_001407617.1 and 17 more transcripts); c.5341-1243T>C (NM_001407587.1, NM_001407585.1, NM_007300.4 and 1 more transcripts); c.1729-1243T>C (NM_001408494.1); c.1843-1243T>C (NM_001408444.1, NM_001408438.1, NM_001408432.1 and 10 more transcripts); and 75 more.
Identifiers: ClinVar variation 209266 (VCV000209266.2), dbSNP rs4793191, ClinGen allele CA276238.
Genomic context (GRCh38, chr17:43,052,360, plus strand): 5'-AGATGAGGTCTCATTCTGTCACTCAGGCTGGAGTACAGTGGCACGATCATAGCTTGCTGC[A>G]GTATTGAACTTCTGGGCTCAAGCAATCCTCTTGCCTCAGCCTCCTAAGTAGCTGGGACTA-3'